The following is an entry in ClinVar:

NM_000214.3(JAG1):c.473C>T (p.Ser158Leu)

Gene: JAG1 (jagged canonical Notch ligand 1; minus strand). Cytogenetic location: 20p12.2.
Variant type: single nucleotide variant.
Coding change: c.473C>T on transcript NM_000214.3 (MANE Select); coding-DNA position 473, C replaced by T.
Protein change: p.Ser158Leu; replaces serine 158 with leucine.
Molecular consequence: missense variant.
Genome position (GRCh38, 1-based): chr20:10,658,689, G>A on the plus strand (C>T on the coding strand, the complement: JAG1 is on the minus strand). VCF-style: chr20-10658689-G-A. GRCh37 (hg19) VCF-style: chr20-10639337-G-A.
Other names: c.473C>T (NM_000214.2); short protein forms S158L.
Identifiers: ClinVar variation 2901359 (VCV002901359.5), dbSNP rs747203032, ClinGen allele CA9765123.

ClinVar aggregate classification (germline): Uncertain significance. Review status: criteria provided, single submitter (1 of 4 stars). 2 submissions from 2 submitters: Uncertain significance (1). 1 of the submissions does not count toward it. Last evaluated 2023-10-09.

Conditions:
JAG1-related disorder. Also called: JAG1-related condition; JAG1-related disorders.
Alagille syndrome due to a JAG1 point mutation. Also called: JAG1-Related Alagille Syndrome; Alagille Syndrome 1; HEPATIC DUCTULAR HYPOPLASIA, SYNDROMATIC. Identifiers: Orphanet 261619, Orphanet 52, MedGen C1956125, MONDO:0016862, OMIM 118450.

Allele frequency attached by ClinVar (database versions not stated): TOPMed 0.00001; ExAC 0.00002.

Submissions (2):

Labcorp Genetics (formerly Invitae), Labcorp
Classification: Uncertain significance for Alagille syndrome due to a JAG1 point mutation. Last evaluated: 2023-10-09. Review status: criteria provided, single submitter. Criteria: Invitae Variant Classification Sherloc (09022015). Collection method: clinical testing. Allele origin: germline.
Comment: This sequence change replaces serine, which is neutral and polar, with leucine, which is neutral and non-polar, at codon 158 of the JAG1 protein (p.Ser158Leu). This variant is present in population databases (rs747203032, gnomAD 0.003%). This variant has not been reported in the literature in individuals affected with JAG1-related conditions. Advanced modeling of protein sequence and biophysical properties (such as structural, functional, and spatial information, amino acid conservation, physicochemical variation, residue mobility, and thermodynamic stability) has been performed at Invitae for this missense variant, however the output from this modeling did not meet the statistical confidence thresholds required to predict the impact of this variant on JAG1 protein function. In summary, the available evidence is currently insufficient to determine the role of this variant in disease. Therefore, it has been classified as a Variant of Uncertain Significance.

PreventionGenetics, part of Exact Sciences
Classification: Uncertain significance for JAG1-related condition. Last evaluated: 2024-02-29. Review status: no assertion criteria provided. Collection method: clinical testing. Allele origin: germline. Not counted in ClinVar's aggregate classification.
Comment: The JAG1 c.473C>T variant is predicted to result in the amino acid substitution p.Ser158Leu. To our knowledge, this variant has not been reported in the literature. This variant is reported in 0.0029% of alleles in individuals of Latino descent in gnomAD. Although we suspect that this variant may be benign, at this time, the clinical significance of this variant is uncertain due to the absence of conclusive functional and genetic evidence.